The following is an entry in ClinVar:

ClinVar aggregate classification (germline): Conflicting classifications of pathogenicity. Review status: criteria provided, conflicting classifications (1 of 4 stars). 6 submissions from 6 submitters: Uncertain significance (5); Likely benign (1). Last evaluated 2025-12-22.

Conditions:
Hereditary cancer-predisposing syndrome. Also called: Tumor predisposition; Hereditary Cancer Syndrome; Hereditary neoplastic syndrome; Neoplastic Syndromes, Hereditary. Identifiers: Orphanet 140162, MedGen C0027672, MeSH D009386, MONDO:0015356.
Lynch syndrome. Identifiers: Orphanet 144, MedGen C4552100, MONDO:0005835. Disease mechanism: loss of function.
Hereditary nonpolyposis colorectal neoplasms. Identifiers: MedGen C0009405, MeSH D003123.

Allele frequency attached by ClinVar (database versions not stated): gnomAD 0.00001; gnomAD exomes 0.00001 and 0.00002; ExAC 0.00002; TOPMed 0.00002.

Submissions (6):

Labcorp Genetics (formerly Invitae), Labcorp
Classification: Likely benign for Hereditary nonpolyposis colorectal neoplasms. Last evaluated: 2025-12-22. Review status: criteria provided, single submitter. Criteria: Invitae Variant Classification Sherloc (09022015). Collection method: clinical testing. Allele origin: germline.

Ambry Genetics
Classification: Uncertain significance for Hereditary cancer-predisposing syndrome. Last evaluated: 2025-08-01. Review status: criteria provided, single submitter. Criteria: Ambry Variant Classification Scheme 2023. Collection method: clinical testing. Allele origin: germline.
Comment: The p.I442T variant (also known as c.1325T>C), located in coding exon 4 of the MSH6 gene, results from a T to C substitution at nucleotide position 1325. The isoleucine at codon 442 is replaced by threonine, an amino acid with similar properties. This amino acid position is not well conserved in available vertebrate species. In addition, this alteration is predicted to be tolerated by in silico analysis. Based on the available evidence, the clinical significance of this variant remains unclear.

Color Diagnostics, LLC DBA Color Health
Classification: Uncertain significance for Hereditary cancer-predisposing syndrome. Last evaluated: 2024-09-30. Review status: criteria provided, single submitter. Criteria: ACMG Guidelines, 2015. Collection method: clinical testing. Allele origin: germline.
Comment: This missense variant replaces isoleucine with threonine at codon 442 of the MSH6 protein. Computational prediction suggests that this variant may not impact protein structure and function (internally defined REVEL score threshold <= 0.5, PMID: 27666373). To our knowledge, functional studies have not been reported for this variant. This variant has been reported in an individual affected with prostate cancer (PMID: 27701467). In a large breast cancer case-control study, this variant has been reported in 1/60466 cases and 2/53461 unaffected controls (PMID: 33471991). This variant has been identified in 4/251114 chromosomes in the general population by the Genome Aggregation Database (gnomAD). The available evidence is insufficient to determine the role of this variant in disease conclusively. Therefore, this variant is classified as a Variant of Uncertain Significance.

All of Us Research Program, National Institutes of Health
Classification: Uncertain significance for Lynch syndrome. Last evaluated: 2024-08-06. Review status: criteria provided, single submitter. Criteria: ACMG Guidelines, 2015. Collection method: clinical testing. Allele origin: germline. Inheritance: Autosomal dominant inheritance. Observed: 6 variant alleles, 6 heterozygotes.
Comment: This missense variant replaces isoleucine with threonine at codon 442 of the MSH6 protein. Computational prediction suggests that this variant may not impact protein structure and function (internally defined REVEL score threshold <= 0.5, PMID: 27666373). To our knowledge, functional studies have not been reported for this variant. This variant has been reported in an individual affected with prostate cancer (PMID: 27701467). In a large breast cancer case-control study, this variant has been reported in 1/60466 cases and 2/53461 unaffected controls (PMID: 33471991). This variant has been identified in 4/251114 chromosomes in the general population by the Genome Aggregation Database (gnomAD). The available evidence is insufficient to determine the role of this variant in disease conclusively. Therefore, this variant is classified as a Variant of Uncertain Significance.

This study involves interpretation of variants in research participants for the purpose of population health screening. Participant phenotype was not available at the time of variant classification. Additional details can be found in publication PMID: 35346344, PMCID: PMC8962531

Sema4
Classification: Uncertain significance for Hereditary cancer-predisposing syndrome. Last evaluated: 2021-09-08. Review status: criteria provided, single submitter. Criteria: Sema4 Curation Guidelines. Collection method: curation. Allele origin: germline.
Comment: The MSH6 c.1325T>C (p.I442T) variant has been reported in individuals with prostate cancer, breast cancer as well as in controls (PMID: 27701467, 33471991). It was observed in 2/21486 chromosomes of the Finnish subpopulation in the large and broad cohorts of the Genome Aggregation Database (PMID: 32461654). The variant has been reported in ClinVar (Variation ID 89187). Functional studies have not been performed, and in silico predictions of the variant's effect on protein function are inconclusive. The evidence is insufficient to meet ACMG/AMP criteria for classifying the variant as benign or pathogenic. Thus, the clinical significance of this variant is currently uncertain.

GeneDx
Classification: Uncertain significance. Last evaluated: 2019-06-24. Review status: criteria provided, single submitter. Criteria: GeneDx Variant Classification Process June 2021. Collection method: clinical testing. Allele origin: germline. Affected: yes.
Comment: Not observed at a significant frequency in large population cohorts (Lek et al., 2016); In silico analysis, which includes protein predictors and evolutionary conservation, supports that this variant does not alter protein structure/function; This variant is associated with the following publications: (PMID: 23621914, 26333163, 27701467)

Literature cited by the submitters: PubMed 27701467 (cited by 4 submitters); PubMed 33471991 (cited by 3 submitters).

NM_000179.3(MSH6):c.1325T>C (p.Ile442Thr)

Gene: MSH6 (mutS homolog 6; plus strand). Cytogenetic location: 2p16.3.
Variant type: single nucleotide variant.
Coding change: c.1325T>C on transcript NM_000179.3 (MANE Select); coding-DNA position 1325, T replaced by C.
Protein change: p.Ile442Thr; replaces isoleucine 442 with threonine.
Molecular consequence: missense variant.
Genome position (GRCh38, 1-based): chr2:47,799,308, T>C. VCF-style: chr2-47799308-T-C. GRCh37 (hg19) VCF-style: chr2-48026447-T-C.
Other names: c.935T>C, p.Ile312Thr (NM_001281492.2); c.419T>C, p.Ile140Thr (NM_001281493.2, NM_001281494.2); short protein forms I442T, I140T, I312T.
Identifiers: ClinVar variation 89187 (VCV000089187.26), dbSNP rs587779210, ClinGen allele CA008493.
Genomic context (GRCh38, chr2:47,799,308, plus strand): 5'-ATCTTGTCATCTGTTACAAGGTGGGGAAATTTTATGAGCTGTACCACATGGATGCTCTTA[T>C]TGGAGTCAGTGAACTGGGGCTGGTATTCATGAAAGGCAACTGGGCCCATTCTGGCTTTCC-3'
Protein context (NP_000170.1, residues 432-452): FYELYHMDAL[Ile442Thr]GVSELGLVFM